The following is an entry in ClinVar:

ClinVar aggregate classification (germline): Likely benign (1 of 4 stars; one submission).

Conditions:
Congenital stationary night blindness 1F. Also called: Night blindness, congenital stationary (complete), 1F, autosomal recessive. Identifiers: Orphanet 215, MedGen C3554399, MONDO:0014026, OMIM 615058.

Allele frequency attached by ClinVar (database versions not stated): 1000 Genomes Project 0.00240; 1000 Genomes Project 30x 0.00265; gnomAD 0.00297 and 0.00317; TOPMed 0.00325.

Submission:

Illumina Laboratory Services, Illumina
Classification: Likely benign for Congenital stationary night blindness 1F. Last evaluated: 2018-01-13. Review status: criteria provided, single submitter. Criteria: ICSL Variant Classification Criteria 13 December 2019. Collection method: clinical testing. Allele origin: germline.
Comment: This variant was observed in the ICSL laboratory as part of a predisposition screen in an ostensibly healthy population. It had not been previously curated by ICSL or reported in the Human Gene Mutation Database (HGMD: prior to June 1st, 2018), and was therefore a candidate for classification through an automated scoring system. Utilizing variant allele frequency, disease prevalence and penetrance estimates, and inheritance mode, an automated score was calculated to assess if this variant is too frequent to cause the disease. Based on the score and internal cut-off values, a variant classified as likely benign is not then subjected to further curation. The score for this variant resulted in a classification of likely benign for this disease.

NM_198506.5(LRIT3):c.*1490T>C

Gene: LRIT3 (leucine rich repeat, Ig-like and transmembrane domains 3; plus strand). Cytogenetic location: 4q25.
Variant type: single nucleotide variant.
Coding change: c.*1490T>C on transcript NM_198506.5 (MANE Select); 1490 bases downstream of the stop codon, T replaced by C.
Molecular consequence: 3 prime UTR variant.
Genome position (GRCh38, 1-based): chr4:109,872,279, T>C. VCF-style: chr4-109872279-T-C. GRCh37 (hg19) VCF-style: chr4-110793435-T-C.
Identifiers: ClinVar variation 901087 (VCV000901087.4), dbSNP rs183244433, ClinGen allele CA103713519.
Genomic context (GRCh38, chr4:109,872,279, plus strand): 5'-GGTCATCTGACCTCTGACTATATCCGGCCTATGACACCAGCCAGCTCCTGCTTTCTGTCT[T>C]GTAAGAGCACTGCTGGAATAAACTACTTGAGCATTAGATGGTGTCTAAGACTCATCTTTG-3'